The following is an entry in ClinVar:

ClinVar aggregate classification (germline): Likely pathogenic (1 of 4 stars; one submission).

Conditions:
Immunodeficiency 104. Also called: Severe combined immunodeficiency, autosomal recessive, T cell-negative, B cell-positive, NK cell-positive; SCID, AUTOSOMAL RECESSIVE, T CELL-NEGATIVE, B CELL-POSITIVE, NK CELL-POSITIVE; IMMUNODEFICIENCY 104, SEVERE COMBINED; Severe Combined Immune Deficiency, Autosomal Recessive, TCell -Negative, B Cell-Positive, NK Cell-Positive, IL7R-Related. Identifiers: MedGen C5676890, MONDO:0012163, OMIM 608971.

Submission:

Labcorp Genetics (formerly Invitae), Labcorp
Classification: Likely pathogenic for Immunodeficiency 104. Last evaluated: 2023-07-17. Review status: criteria provided, single submitter. Criteria: Invitae Variant Classification Sherloc (09022015). Collection method: clinical testing. Allele origin: germline.
Comment: This sequence change affects a donor splice site in intron 23 of the PTPRC gene. It is expected to disrupt RNA splicing. Variants that disrupt the donor or acceptor splice site typically lead to a loss of protein function (PMID: 16199547), and loss-of-function variants in PTPRC are known to be pathogenic (PMID: 10700239). This variant is not present in population databases (gnomAD no frequency). In summary, the currently available evidence indicates that the variant is pathogenic, but additional data are needed to prove that conclusively. Therefore, this variant has been classified as Likely Pathogenic. Algorithms developed to predict the effect of sequence changes on RNA splicing suggest that this variant may disrupt the consensus splice site. This variant has not been reported in the literature in individuals affected with PTPRC-related conditions.

Literature cited by the submitters: PubMed 16199547; PubMed 10700239.

NM_002838.5(PTPRC):c.2403+1G>T

Gene: PTPRC (protein tyrosine phosphatase receptor type C; plus strand). Cytogenetic location: 1q32.1.
Variant type: single nucleotide variant.
Coding change: c.2403+1G>T on transcript NM_002838.5 (MANE Select); the canonical splice donor site of the intron after coding-DNA position 2403, G replaced by T.
Molecular consequence: splice donor variant.
Genome position (GRCh38, 1-based): chr1:198,735,253, G>T. VCF-style: chr1-198735253-G-T. GRCh37 (hg19) VCF-style: chr1-198704382-G-T.
Other names: c.1920+1G>T (NM_080921.4).
Identifiers: ClinVar variation 2744367 (VCV002744367.3), dbSNP rs1553243550, ClinGen allele CA344049171.